The following is an entry in ClinVar:

ClinVar aggregate classification (germline): Conflicting classifications of pathogenicity. Review status: criteria provided, conflicting classifications (1 of 4 stars). 25 submissions from 24 submitters: Uncertain significance (9); Benign (1); Likely benign (11). 4 of the submissions do not count toward it. Last evaluated 2026-01-29.

Conditions:
CHEK2-related cancer predisposition (TPDS4). Also called: CHEK2-related cancer susceptibility; TUMOR PREDISPOSITION SYNDROME 4; CANCER PREDISPOSITION SYNDROME, CHEK2-RELATED. Identifiers: Orphanet 524, MedGen C5882668, MONDO:0700271, OMIM 609265.
Familial prostate cancer. Also called: Hereditary Prostate Cancer. Identifiers: MedGen C2931456, MONDO:0700275, OMIM 176807.
Bone osteosarcoma. Also called: Osteosarcoma, somatic. Identifiers: Orphanet 668, MedGen C0585442, MONDO:0002629, OMIM 259500.
CHEK2-related disorder.
Breast and/or ovarian cancer. Identifiers: MedGen CN221562.
Prostate cancer. Also called: Malignant tumor of prostate. Identifiers: Orphanet 1331, MedGen C0376358, MONDO:0008315, HP:0012125.
Familial cancer of breast. Also called: Hereditary breast cancer; hereditary breast carcinoma; BREAST CANCER, FAMILIAL. Identifiers: Orphanet 227535, MedGen C0346153, MONDO:0016419, OMIM 114480. Disease mechanism: loss of function.
Hereditary cancer-predisposing syndrome. Also called: Tumor predisposition; Neoplastic Syndromes, Hereditary; Hereditary neoplastic syndrome; Hereditary Cancer Syndrome. Identifiers: Orphanet 140162, MedGen C0027672, MeSH D009386, MONDO:0015356.
Breast-ovarian cancer, familial, susceptibility to, 2 (BROVCA2). Also called: BRCA2 Hereditary Breast and Ovarian Cancer. Identifiers: Orphanet 145, MedGen C2675520, MONDO:0012933, OMIM 612555. Disease mechanism: loss of function.
Hereditary breast ovarian cancer syndrome. Also called: Hereditary breast and ovarian cancer; Hereditary breast and ovarian cancer syndrome (HBOC); Hereditary breast and ovarian cancer syndrome; Hereditary breast and/or ovarian cancer syndrome; Breast and ovarian cancer; BRCA1- and BRCA2-Associated Hereditary Breast and Ovarian Cancer. Identifiers: Orphanet 145, MedGen C0677776, MeSH D061325, MONDO:0003582. Disease mechanism: loss of function.
Malignant tumor of breast. Also called: Malignant breast neoplasm; Cancer breast. Identifiers: MedGen C0006142, MONDO:0007254. Disease mechanism: loss of function.

Allele frequency attached by ClinVar (database versions not stated): gnomAD 0.00006; TOPMed 0.00010; gnomAD exomes 0.00014 and 0.00005; ExAC 0.00011.
gnomAD v4.1: 85 of 1,613,934 alleles (0.0053%); highest among the groups gnomAD compares: East Asian, 0.087%; 1 homozygote.

Submissions 1 to 12 of 25:

Labcorp Genetics (formerly Invitae), Labcorp
Classification: Likely benign for Familial cancer of breast. Last evaluated: 2026-01-29. Review status: criteria provided, single submitter. Criteria: Invitae Variant Classification Sherloc (09022015). Collection method: clinical testing. Allele origin: germline.

PreventionGenetics, part of Exact Sciences
Classification: Uncertain significance for CHEK2-related condition. Last evaluated: 2025-12-08. Review status: criteria provided, single submitter. Criteria: ACMG Guidelines, 2015. Collection method: clinical testing. Allele origin: germline.
Comment: The CHEK2 c.542G>A variant is predicted to result in the amino acid substitution p.Arg181His. This variant has been reported in patients with prostate cancer, breast cancer, neuroblastoma, and Hodgkin lymphoma (Dong et al. 2003. PubMed ID: 12533788; Dufault et al. 2004. PubMed ID: 15095295; Pugh et al. 2013. PubMed ID: 23334666; Table S4, Li et al. 2018. PubMed ID: 29752822; Havranek et al. 2011. PubMed ID: 21744992). This variant is reported in 0.13% of alleles in individuals of East Asian descent in gnomAD, including one homozygous individual, and has conflicting interpretations regarding its pathogenicity in ClinVar, ranging from uncertain to likely benign (Variation ID: 5598). At this time, the clinical significance of this variant is uncertain due to the absence of conclusive functional and genetic evidence.

Center for Genomic Medicine, Rigshospitalet, Copenhagen University Hospital
Classification: Likely benign. Last evaluated: 2025-03-04. Review status: criteria provided, single submitter. Criteria: ACMG Guidelines, 2015. Collection method: clinical testing. Allele origin: germline.

Quest Diagnostics Nichols Institute San Juan Capistrano
Classification: Likely benign. Last evaluated: 2025-02-28. Review status: criteria provided, single submitter. Criteria: Quest Diagnostics criteria. Collection method: clinical testing. Allele origin: unknown.

Molecular Pathology, Peter Maccallum Cancer Centre
Classification: Uncertain significance for Familial cancer of breast. Last evaluated: 2024-07-18. Review status: criteria provided, single submitter. Criteria: ACMG Guidelines, 2015. Collection method: clinical testing. Allele origin: germline. Inheritance: Autosomal dominant inheritance.

Fulgent Genetics
Classification: Likely benign for Familial prostate cancer; Bone osteosarcoma; CHEK2-related cancer predisposition. Last evaluated: 2024-05-08. Review status: criteria provided, single submitter. Criteria: ACMG Guidelines, 2015. Collection method: clinical testing. Allele origin: germline.

Women's Health and Genetics/Laboratory Corporation of America, LabCorp
Classification: Likely benign. Last evaluated: 2023-10-30. Review status: criteria provided, single submitter. Criteria: LabCorp Variant Classification Summary - May 2015. Collection method: clinical testing. Allele origin: germline.
Comment: Variant summary: CHEK2 c.542G>A (p.Arg181His) results in a non-conservative amino acid change located in the Forkhead-associated (FHA) domain (IPR000253) of the encoded protein sequence. Three of five in-silico tools predict a benign effect of the variant on protein function. The variant allele was found at a frequency of 0.00038 in 360012 control chromosomes (gnomAD and jMorp (Tadaka_2021) databases), predominantly at a frequency of 0.0013 within the East Asian subpopulation in the gnomAD database, including 1 homozygote. The observed variant frequency within East Asian control individuals in the gnomAD database is approximately 4 fold of the estimated maximal expected allele frequency for a pathogenic variant in CHEK2 causing Hereditary Breast and Ovarian Cancer phenotype (0.00031), strongly suggesting that the variant is a benign polymorphism found primarily in populations of East Asian origin. c.542G>A has been reported in the literature in Japanese case control studies of individuals with breast cancer or colorectal cancer with no reported association (e.g., Momozawa_2018, Fujita_2022), as well as in individuals affected with Hodgkins lymphoma, Non-Hodgkins lymphoma, sporadic prostate cancer, or Neuroblastoma, and at-least one individual with breast cancer from a family testing negative for mutations in BRCA1 and 2 genes (e.g., Havranek_2011, Havranek_2015, Dong_2003, Pugh_2013, Dufault_2004). These reports do not provide unequivocal conclusions about the association of this variant with any of these cancers and some even cite this in the context of a neutral variant (e.g., Havranek_2011) or a non-significant association (e.g., Dufault_2004). At least three recent publications report experimental evidence evaluating an impact on protein function. The studies showed no damaging effect of this variant using an in-vivo yeast based assay evaluating the ability to repair MMS (methylmethanesulfonate) induced DNA damage (e.g., Delimitsou_2019) and cell-based assays quantifying KAP1-S473 phosphorylation (e.g., Kleibova_2019, Boonen_2022). The following publications have been ascertained in the context of this evaluation (PMID: 35643632, 30851065, 33309985, 21744992, 31050813, 30287823, 23334666, 33179747). Multiple ClinVar submitters (evaluation after 2014) cite the variant with conflicting assessments (VUS, n = 11; likely benign, n = 4). Some of these submitters list overlapping evidence utilized in the context of this evaluation. Based on the evidence outlined above, the variant was classified as likely benign.

Myriad Genetics, Inc.
Classification: Uncertain significance for Familial cancer of breast. Last evaluated: 2023-03-09. Review status: criteria provided, single submitter. Criteria: Myriad Autosomal Dominant, Autosomal Recessive and X-Linked Classification Criteria (2023). Collection method: clinical testing. Allele origin: unknown.
Comment: This variant is classified as a variant of uncertain significance as there is insufficient evidence to determine its impact on protein function and/or cancer risk.

Blueprint Genetics
Classification: Likely benign. Last evaluated: 2023-02-02. Review status: criteria provided, single submitter. Criteria: ACMG Guidelines, 2015. Collection method: clinical testing. Allele origin: germline.

CHEO Genetics Diagnostic Laboratory, Children's Hospital of Eastern Ontario
Classification: Likely benign for Breast and/or ovarian cancer. Last evaluated: 2022-11-23. Review status: criteria provided, single submitter. Criteria: ACMG Guidelines, 2015. Collection method: clinical testing. Allele origin: germline.

Ambry Genetics
Classification: Likely benign for Hereditary cancer-predisposing syndrome. Last evaluated: 2022-09-30. Review status: criteria provided, single submitter. Criteria: Ambry Variant Classification Scheme 2023. Collection method: clinical testing. Allele origin: germline.

Sema4
Classification: Uncertain significance for Hereditary cancer-predisposing syndrome. Last evaluated: 2021-09-25. Review status: criteria provided, single submitter. Criteria: Sema4 Curation Guidelines. Collection method: curation. Allele origin: germline.
Comment: The CHEK2 c.542G>A (p.R181H) variant has been reported in individuals with prostate cancer, Hodgkin and Non-Hodgkin lymphoma, breast and/or ovarian cancer, papillary thyroid carcinoma, and neuroblastoma (PMID: 12533788, 15095295, 21744992, 26506619, 29520813, 29752822, 30826992, 32906215, 31050813, 23334666). A Japanese case-control study did not find an association between the variant and breast cancer (PMID: 30287823). It was observed in 25/19948 chromosomes with 1 homozygote of the East Asian subpopulation in the large and broad cohorts of the Genome Aggregation Database (PMID: 32461654). The variant has been reported in ClinVar (Variation ID 5598). Functional studies demonstrated the variant to have similar to normal function (PMID: 30851065, 31050813). The evidence is insufficient to meet ACMG/AMP criteria for classifying the variant as benign or pathogenic. Thus, the clinical significance of this variant is currently uncertain.

NM_007194.4(CHEK2):c.542G>A (p.Arg181His)

Gene: CHEK2 (checkpoint kinase 2; minus strand). Cytogenetic location: 22q12.1.
Variant type: single nucleotide variant.
Coding change: c.542G>A on transcript NM_007194.4 (MANE Select); coding-DNA position 542, G replaced by A.
Protein change: p.Arg181His; replaces arginine 181 with histidine.
Molecular consequence: missense variant. On other transcripts: 5 prime UTR variant (2), intron variant (1).
Genome position (GRCh38, 1-based): chr22:28,725,027, C>T on the plus strand (G>A on the coding strand, the complement: CHEK2 is on the minus strand). VCF-style: chr22-28725027-C-T. GRCh37 (hg19) VCF-style: chr22-29121015-C-T.
Other names: chr22:29,121,015C>T; p.R181H:CGT>CAT; c.671G>A, p.Arg224His (NM_001005735.3, NM_001438294.1); c.-236G>A (NM_001257387.3); c.-122G>A (NM_001437942.1); c.635G>A, p.Arg212His (NM_001438293.1, NM_001438295.1); c.542G>A, p.Arg181His (NM_145862.3); c.445-104G>A (NM_001349956.3); short protein forms R181H, R224H, R212H.
Identifiers: ClinVar variation 5598 (VCV000005598.80), dbSNP rs121908701, ClinGen allele CA117641.